The following is an entry in ClinVar:

ClinVar aggregate classification (germline): Pathogenic. Review status: criteria provided, single submitter (1 of 4 stars). 2 submissions from 2 submitters: Pathogenic (1). 1 of the submissions does not count toward it. Last evaluated 2023-11-25.

Conditions:
UGT1A1-related disorder. Also called: UGT1A1-related condition; UGT1A1-related disorders.

Submissions (2):

Labcorp Genetics (formerly Invitae), Labcorp
Classification: Pathogenic. Last evaluated: 2023-11-25. Review status: criteria provided, single submitter. Criteria: Invitae Variant Classification Sherloc (09022015). Collection method: clinical testing. Allele origin: germline.
Comment: This sequence change creates a premature translational stop signal (p.Phe206Serfs*5) in the UGT1A1 gene. It is expected to result in an absent or disrupted protein product. Loss-of-function variants in UGT1A1 are known to be pathogenic (PMID: 23290513). This variant is not present in population databases (gnomAD no frequency). This premature translational stop signal has been observed in individual(s) with unconjugated hyperbilirubinemia (PMID: 23290513). ClinVar contains an entry for this variant (Variation ID: 2203287). For these reasons, this variant has been classified as Pathogenic.

PreventionGenetics, part of Exact Sciences
Classification: Pathogenic for UGT1A1-related condition. Last evaluated: 2024-01-26. Review status: no assertion criteria provided. Collection method: clinical testing. Allele origin: germline. Not counted in ClinVar's aggregate classification.
Comment: The UGT1A1 c.615delC variant is predicted to result in a frameshift and premature protein termination (p.Phe206Serfs*5). This variant has been reported in the homozygous state in an individual with unconjugated hyperbilirubinemia (Skierka et al 2013. PubMed ID: 23290513). This variant has not been reported in a large population database, indicating this variant is rare. Frameshift variants in UGT1A1 are expected to be pathogenic. This variant is interpreted as pathogenic.

Literature cited by the submitters: PubMed 23290513 (cited by Labcorp Genetics (formerly Invitae), Labcorp).

NM_000463.3(UGT1A1):c.615del (p.Phe206fs)

Genes: UGT1A7 (UDP glucuronosyltransferase family 1 member A7; plus strand), UGT1A8 (UDP glucuronosyltransferase family 1 member A8; plus strand), UGT1A5 (UDP glucuronosyltransferase family 1 member A5; plus strand), UGT1A6 (UDP glucuronosyltransferase family 1 member A6; plus strand), UGT1A4 (UDP glucuronosyltransferase family 1 member A4; plus strand) and 5 more. Cytogenetic location: 2q37.1.
Variant type: Deletion.
Coding change: c.615del on transcript NM_000463.3 (MANE Select); coding-DNA position 615, one base deleted (C; older notation c.615delC).
Protein change: p.Phe206fs; shifts the reading frame from phenylalanine 206.
Molecular consequence: frameshift variant. On other transcripts: intron variant (9).
Genome position (GRCh38, 1-based): chr2:233,760,902, C deleted; the last of 2 consecutive C bases (chr2:233,760,901-233,760,902); deleting either gives the same sequence. VCF-style (leftmost placement, unchanged base first): chr2-233760900-AC-A. GRCh37 (hg19) VCF-style: chr2-234669546-AC-A.
Other names: c.856-6132del (NM_019076.5, NM_019075.4, NM_021027.3 and 1 more transcripts); c.61-6132del (NM_205862.3); c.862-6132del (NM_001072.4); c.868-6132del (NM_019078.2, NM_007120.3, NM_019093.4); short protein forms F206fs.
Identifiers: ClinVar variation 2203287 (VCV002203287.6), dbSNP rs1697605792, ClinGen allele CA1043554932.